The following is an entry in ClinVar:

ClinVar aggregate classification (germline): Uncertain significance. Review status: criteria provided, multiple submitters, no conflicts (2 of 4 stars). 2 submissions from 2 submitters: Uncertain significance (2). Last evaluated 2025-05-30.

Conditions:
Inborn genetic diseases. Identifiers: MedGen C0950123, MeSH D030342.
Spondyloepimetaphyseal dysplasia, PAPSS2 type. Also called: SEMD, PAKISTANI TYPE; BRACHYOLMIA TYPE 4 WITH MILD EPIPHYSEAL AND METAPHYSEAL CHANGES; SPONDYLODYSPLASIA AND PREMATURE PUBARCHE. Identifiers: Orphanet 93282, MedGen C2748516, MONDO:0019666, OMIM 612847.

Allele frequency attached by ClinVar (database versions not stated): gnomAD below 0.00001 and 0.00003; TOPMed 0.00001; gnomAD exomes 0.00002 and 0.00006; ExAC 0.00007; 1000 Genomes Project 30x 0.00016.
gnomAD v4.1: 40 of 1,613,502 alleles (0.0025%); highest among the groups gnomAD compares: South Asian, 0.037%; no homozygotes.

Submissions (2):

Ambry Genetics
Classification: Uncertain significance for Inborn genetic diseases. Last evaluated: 2025-05-30. Review status: criteria provided, single submitter. Criteria: Ambry Variant Classification Scheme 2023. Collection method: clinical testing. Allele origin: germline.

Labcorp Genetics (formerly Invitae), Labcorp
Classification: Uncertain significance for Spondyloepimetaphyseal dysplasia, PAPSS2 type. Last evaluated: 2022-07-20. Review status: criteria provided, single submitter. Criteria: Invitae Variant Classification Sherloc (09022015). Collection method: clinical testing. Allele origin: germline.
Comment: This sequence change replaces alanine, which is neutral and non-polar, with threonine, which is neutral and polar, at codon 409 of the PAPSS2 protein (p.Ala409Thr). This variant is present in population databases (rs747603601, gnomAD 0.05%). This variant has not been reported in the literature in individuals affected with PAPSS2-related conditions. ClinVar contains an entry for this variant (Variation ID: 1019259). Algorithms developed to predict the effect of missense changes on protein structure and function (SIFT, PolyPhen-2, Align-GVGD) all suggest that this variant is likely to be tolerated. In summary, the available evidence is currently insufficient to determine the role of this variant in disease. Therefore, it has been classified as a Variant of Uncertain Significance.

NM_001015880.2(PAPSS2):c.1225G>A (p.Ala409Thr)

Gene: PAPSS2 (3'-phosphoadenosine 5'-phosphosulfate synthase 2; plus strand). Cytogenetic location: 10q23.31.
Variant type: single nucleotide variant.
Coding change: c.1225G>A on transcript NM_001015880.2 (MANE Select); coding-DNA position 1225, G replaced by A.
Protein change: p.Ala409Thr; replaces alanine 409 with threonine.
Molecular consequence: missense variant.
Genome position (GRCh38, 1-based): chr10:87,743,375, G>A. VCF-style: chr10-87743375-G-A. GRCh37 (hg19) VCF-style: chr10-89503132-G-A.
Other names: c.1210G>A, p.Ala404Thr (NM_004670.4); c.1210G>A (NM_004670.3); short protein forms A404T, A409T.
Identifiers: ClinVar variation 1019259 (VCV001019259.11), dbSNP rs747603601, ClinGen allele CA5589702.
Genomic context (GRCh38, chr10:87,743,375, plus strand): 5'-GTGGAGAAATGACACCATGTGTTTCTGTGACCTTCCTTCTTCTGCTTTCCTCTCCCAGAT[G>A]CGGTGTTTGCATTCCAGTTGCGCAATCCTGTCCACAATGGCCATGCCCTGTTGATGCAGG-3'
Protein context (NP_001015880.1, residues 399-419): KQKCKEMNAD[Ala409Thr]VFAFQLRNPV